The following is an entry in ClinVar:

ClinVar aggregate classification (germline): Uncertain significance (1 of 4 stars; one submission).

Conditions:
Developmental and epileptic encephalopathy, 74. Also called: EPILEPTIC ENCEPHALOPATHY, EARLY INFANTILE, 74. Identifiers: MedGen C5193074, MONDO:0032725, OMIM 618396.
Febrile seizures, familial, 8 (FEB8). Also called: CONVULSIONS, FAMILIAL FEBRILE, 8. Identifiers: Orphanet 36387, MedGen C1969810, MONDO:0011891, OMIM 607681.

Submission:

Juno Genomics, Hangzhou Juno Genomics, Inc
Classification: Uncertain significance for Developmental and epileptic encephalopathy, 74; Febrile seizures, familial, 8. Review status: criteria provided, single submitter. Criteria: ACMG Guidelines, 2015. Collection method: clinical testing. Allele origin: germline.
Comment: Absent from controls (or at extremely low frequency if recessive) in Genome Aggregation Database.;Multiple lines of computational evidence support a deleterious effect on the gene or gene product.;Missense variant in a gene that has a low rate of benign missense variation.

NM_198904.4(GABRG2):c.1334_1335delinsCA (p.Arg445Pro)

Gene: GABRG2 (gamma-aminobutyric acid type A receptor subunit gamma2; plus strand). Cytogenetic location: 5q34.
Variant type: Indel.
Coding change: c.1334_1335delinsCA on transcript NM_198904.4 (MANE Select); coding-DNA positions 1334 to 1335, GC replaced by CA.
Protein change: p.Arg445Pro; replaces arginine 445 with proline.
Molecular consequence: missense variant. On other transcripts: 3 prime UTR variant (1).
Genome position (GRCh38, 1-based): chr5:162,153,274-162,153,275, GC replaced by CA. VCF-style: chr5-162153274-GC-CA. GRCh37 (hg19) VCF-style: chr5-161580280-GC-CA.
Other names: c.1310_1311delinsCA, p.Arg437Pro (NM_000816.3); c.1325_1326delinsCA, p.Arg442Pro (NM_001375339.1); c.*168_*169delinsCA (NM_001375340.1); c.1331_1332delinsCA, p.Arg444Pro (NM_001375341.1); c.1307_1308delinsCA, p.Arg436Pro (NM_001375342.1); c.1430_1431delinsCA, p.Arg477Pro (NM_001375343.1); c.1373_1374delinsCA, p.Arg458Pro (NM_001375344.1); c.1244_1245delinsCA, p.Arg415Pro (NM_001375345.1); and 6 more; short protein forms R297P, R305P, R342P, R415P, R416P, R423P, R436P, R437P.
Identifiers: ClinVar variation 5019352 (VCV005019352.2).
Genomic context (GRCh38, chr5:162,153,274, plus strand): 5'-TTTTCTGCTGTTTTGAAGATTGTCGAACAGGAGCTTGGAGACATGGGAGGATACATATCC[GC>CA]ATTGCCAAAATGGACTCCTATGCTCGGATCTTCTTCCCCACTGCCTTCTGCCTGTTTAAT-3'
Protein context (NP_944494.1, residues 435-455): GAWRHGRIHI[Arg445Pro]IAKMDSYARI